The following is an entry in ClinVar:

NM_001375405.1(CEP120):c.1129G>A (p.Gly377Arg)

Gene: CEP120 (centrosomal protein 120; minus strand). Cytogenetic location: 5q23.2.
Variant type: single nucleotide variant.
Coding change: c.1129G>A on transcript NM_001375405.1 (MANE Select); coding-DNA position 1129, G replaced by A.
Protein change: p.Gly377Arg; replaces glycine 377 with arginine.
Molecular consequence: missense variant. On other transcripts: non-coding transcript variant (1), intron variant (1).
Genome position (GRCh38, 1-based): chr5:123,390,050, C>T on the plus strand (G>A on the coding strand, the complement: CEP120 is on the minus strand). VCF-style: chr5-123390050-C-T. GRCh37 (hg19) VCF-style: chr5-122725744-C-T.
Other names: c.1051G>A, p.Gly351Arg (NM_001166226.2); c.1129G>A, p.Gly377Arg (NM_001375407.1, NM_153223.4); c.556G>A, p.Gly186Arg (NM_001375408.1, NM_001375409.1); c.1039-45G>A (NM_001375406.1); short protein forms G186R, G351R, G377R.
Identifiers: ClinVar variation 1308415 (VCV001308415.4), dbSNP rs370814149, ClinGen allele CA125977220.

ClinVar aggregate classification (germline): Uncertain significance. Review status: criteria provided, multiple submitters, no conflicts (2 of 4 stars). 2 submissions from 2 submitters: Uncertain significance (2). Last evaluated 2021-06-22.

Conditions:
Inborn genetic diseases. Identifiers: MedGen C0950123, MeSH D030342.

Allele frequency attached by ClinVar (database versions not stated): gnomAD exomes below 0.00001; TOPMed 0.00006; gnomAD 0.00007 and 0.00008; ESP Exome Variant Server 0.00008.
gnomAD v4.1: 18 of 1,613,978 alleles (0.0011%); highest among the groups gnomAD compares: African/African-American, 0.024%; no homozygotes.

Submissions (2):

Ambry Genetics
Classification: Uncertain significance for Inborn genetic diseases. Last evaluated: 2021-06-22. Review status: criteria provided, single submitter. Criteria: Ambry Variant Classification Scheme 2023. Collection method: clinical testing. Allele origin: germline.

GeneDx
Classification: Uncertain significance. Last evaluated: 2019-03-29. Review status: criteria provided, single submitter. Criteria: GeneDx Variant Classification Process June 2021. Collection method: clinical testing. Allele origin: germline. Affected: yes.
Comment: Not observed at a significant frequency in large population cohorts (Lek et al., 2016); In silico analysis, which includes protein predictors and evolutionary conservation, supports that this variant does not alter protein structure/function; Has not been previously published as pathogenic or benign to our knowledge